The following is an entry in ClinVar:

NM_007325.5(GRIA3):c.813G>C (p.Gln271His)

Gene: GRIA3 (glutamate ionotropic receptor AMPA type subunit 3; plus strand). Cytogenetic location: Xq25.
Variant type: single nucleotide variant.
Coding change: c.813G>C on transcript NM_007325.5 (MANE Select); coding-DNA position 813, G replaced by C.
Protein change: p.Gln271His; replaces glutamine 271 with histidine.
Molecular consequence: missense variant.
Genome position (GRCh38, 1-based): chrX:123,395,030, G>C. VCF-style: chrX-123395030-G-C. GRCh37 (hg19) VCF-style: chrX-122528881-G-C.
Other names: c.813G>C, p.Gln271His (NM_000828.5); short protein forms Q271H.
Identifiers: ClinVar variation 638312 (VCV000638312.7), dbSNP rs756316953, ClinGen allele CA10506968.
Genomic context (GRCh38, chrX:123,395,030, plus strand): 5'-TTTTACTGATATTTTACTGGAAAGAGTCATGCATGGGGGAGCCAACATTACAGGTTTCCA[G>C]ATTGTCAACAATGAAAACCCTATGGTTCAGCAGTTCATACAGCGCTGGGTGAGGCTGGAT-3'
Protein context (NP_015564.5, residues 261-281): MHGGANITGF[Gln271His]IVNNENPMVQ

ClinVar aggregate classification (germline): Conflicting classifications of pathogenicity. Review status: criteria provided, conflicting classifications (1 of 4 stars). 3 submissions from 3 submitters: Uncertain significance (2); Likely benign (1). Last evaluated 2023-12-25.

Conditions:
Syndromic X-linked intellectual disability 94 (MRXSW). Also called: X-linked intellectual disability due to GRIA3 anomalies; MENTAL RETARDATION, X-LINKED, SYNDROMIC 29. Identifiers: Orphanet 364028, MedGen C2678051, MONDO:0010402, OMIM 300699.

Allele frequency attached by ClinVar (database versions not stated): gnomAD exomes 0.00001 and 0.00004; gnomAD 0.00002; ExAC 0.00006.
gnomAD v4.1: 18 of 1,193,948 alleles (0.0015%); highest among the groups gnomAD compares: South Asian, 0.023%; no homozygotes.

Submissions (3):

Labcorp Genetics (formerly Invitae), Labcorp
Classification: Uncertain significance. Last evaluated: 2023-12-25. Review status: criteria provided, single submitter. Criteria: Invitae Variant Classification Sherloc (09022015). Collection method: clinical testing. Allele origin: germline.
Comment: This sequence change replaces glutamine, which is neutral and polar, with histidine, which is basic and polar, at codon 271 of the GRIA3 protein (p.Gln271His). This variant is present in population databases (rs756316953, gnomAD 0.02%). This variant has not been reported in the literature in individuals affected with GRIA3-related conditions. ClinVar contains an entry for this variant (Variation ID: 638312). Advanced modeling of protein sequence and biophysical properties (such as structural, functional, and spatial information, amino acid conservation, physicochemical variation, residue mobility, and thermodynamic stability) performed at Invitae indicates that this missense variant is not expected to disrupt GRIA3 protein function with a negative predictive value of 80%. In summary, the available evidence is currently insufficient to determine the role of this variant in disease. Therefore, it has been classified as a Variant of Uncertain Significance.

Blueprint Genetics
Classification: Likely benign. Last evaluated: 2023-07-18. Review status: criteria provided, single submitter. Criteria: ACMG Guidelines, 2015. Collection method: clinical testing. Allele origin: germline.

Genomic Research Center, Shahid Beheshti University of Medical Sciences
Classification: Uncertain significance for Mental retardation, X-linked, syndromic, wu type. Last evaluated: 2019-04-27. Review status: criteria provided, single submitter. Criteria: ACMG Guidelines, 2015. Collection method: clinical testing. Allele origin: unknown. Affected: no.